The following is an entry in ClinVar:

ClinVar aggregate classification (germline): Uncertain significance (1 of 4 stars; one submission).

Submission:

Women's Health and Genetics/Laboratory Corporation of America, LabCorp
Classification: Uncertain significance. Last evaluated: 2024-05-03. Review status: criteria provided, single submitter. Criteria: LabCorp Variant Classification Summary - May 2015. Collection method: clinical testing. Allele origin: germline.
Comment: Variant summary: CRB2 c.*6C>G is located in the untranslated mRNA region downstream of the termination codon. The variant allele was found at a frequency of 0.00017 in 172466 control chromosomes (gnomAD). To our knowledge, no occurrence of c.*6C>G in individuals affected with Focal Segmental Glomerulosclerosis 9 and no experimental evidence demonstrating its impact on protein function have been reported. No submitters have cited clinical-significance assessments for this variant to ClinVar. Based on the evidence outlined above, the variant was classified as uncertain significance.

NM_173689.7(CRB2):c.*6C>G

Gene: CRB2 (crumbs cell polarity complex component 2; plus strand). Cytogenetic location: 9q33.3.
Variant type: single nucleotide variant.
Coding change: c.*6C>G on transcript NM_173689.7 (MANE Select); 6 bases downstream of the stop codon, C replaced by G.
Molecular consequence: 3 prime UTR variant. On other transcripts: non-coding transcript variant (1).
Genome position (GRCh38, 1-based): chr9:123,377,068, C>G. VCF-style: chr9-123377068-C-G. GRCh37 (hg19) VCF-style: chr9-126139347-C-G.
Identifiers: ClinVar variation 3336192 (VCV003336192.1).
Genomic context (GRCh38, chr9:123,377,068, plus strand): 5'-CCGGCTGGAGATGGACAGTGTCCTCAAGGTGCCACCGGAGGAGAGACTCATCTAGGCCAG[C>G]CTGGCTGCTGGCACCAGCACCTGGAGGTCCTGAATGGTTTCTACCTGGAGACCCAAGGAA-3'